The following is an entry in ClinVar:

ClinVar aggregate classification (germline): Uncertain significance (1 of 4 stars; one submission).

Conditions:
Long QT syndrome (LQTS). Identifiers: MedGen C0023976, MeSH D008133, MONDO:0002442. Disease mechanism: loss of function. Inheritance: Various modes of inheritance.

Submission:

Labcorp Genetics (formerly Invitae), Labcorp
Classification: Uncertain significance for Long QT syndrome. Last evaluated: 2020-09-20. Review status: criteria provided, single submitter. Criteria: Invitae Variant Classification Sherloc (09022015). Collection method: clinical testing. Allele origin: germline.
Comment: In summary, the available evidence is currently insufficient to determine the role of this variant in disease. Therefore, it has been classified as a Variant of Uncertain Significance. This sequence change replaces valine with aspartic acid at codon 897 of the CACNA1C protein (p.Val897Asp). The valine residue is highly conserved and there is a large physicochemical difference between valine and aspartic acid. This variant is not present in population databases (ExAC no frequency). This variant has not been reported in the literature in individuals with CACNA1C-related conditions. Algorithms developed to predict the effect of missense changes on protein structure and function are either unavailable or do not agree on the potential impact of this missense change (SIFT: "Deleterious"; PolyPhen-2: "Probably Damaging"; Align-GVGD: "Class C15").

NM_000719.7(CACNA1C):c.2690T>A (p.Val897Asp)

Gene: CACNA1C (calcium voltage-gated channel subunit alpha1 C; plus strand). Cytogenetic location: 12p13.33.
Variant type: single nucleotide variant.
Coding change: c.2690T>A on transcript NM_000719.7 (MANE Select); coding-DNA position 2690, T replaced by A.
Protein change: p.Val897Asp; replaces valine 897 with aspartic acid.
Molecular consequence: missense variant.
Genome position (GRCh38, 1-based): chr12:2,595,900, T>A. VCF-style: chr12-2595900-T-A. GRCh37 (hg19) VCF-style: chr12-2705066-T-A.
Other names: c.2690T>A, p.Val897Asp (NM_001129827.2, NM_001129829.2, NM_001129830.3 and 18 more transcripts); c.2681T>A, p.Val894Asp (NM_001129844.2); short protein forms V894D, V897D.
Identifiers: ClinVar variation 1039194 (VCV001039194.9), dbSNP rs2067954202, ClinGen allele CA383372426.
Genomic context (GRCh38, chr12:2,595,900, plus strand): 5'-ACTTGTCTCTCCTCCTGTCCCCTCTCCCGTACAGGTTTCGCCTCCAGTGCCACCGCATTG[T>A]CAATGACACGATCTTCACCAACCTGATCCTCTTCTTCATTCTGCTCAGCAGCATTTCCCT-3'
Protein context (NP_000710.5, residues 887-907): NRFRLQCHRI[Val897Asp]NDTIFTNLIL